The following is an entry in ClinVar:

NM_001130438.3(SPTAN1):c.5308C>T (p.Arg1770Cys)

Gene: SPTAN1 (spectrin alpha, non-erythrocytic 1; plus strand). Cytogenetic location: 9q34.11.
Variant type: single nucleotide variant.
Coding change: c.5308C>T on transcript NM_001130438.3 (MANE Select); coding-DNA position 5308, C replaced by T.
Protein change: p.Arg1770Cys; replaces arginine 1770 with cysteine.
Molecular consequence: missense variant.
Genome position (GRCh38, 1-based): chr9:128,615,791, C>T. VCF-style: chr9-128615791-C-T. GRCh37 (hg19) VCF-style: chr9-131378070-C-T.
Other names: c.5233C>T, p.Arg1745Cys (NM_001195532.2); c.5308C>T, p.Arg1770Cys (NM_001363759.2, NM_001375310.1, NM_001375311.2 and 1 more transcripts); c.5248C>T, p.Arg1750Cys (NM_001363765.2, NM_001375314.2); c.5344C>T, p.Arg1782Cys (NM_001375312.2, NM_001375318.1); c.5293C>T, p.Arg1765Cys (NM_003127.4); short protein forms R1745C, R1750C, R1765C, R1770C, R1782C.
Identifiers: ClinVar variation 1001248 (VCV001001248.9), dbSNP rs371055930, ClinGen allele CA5265420.

ClinVar aggregate classification (germline): Uncertain significance (1 of 4 stars; one submission).

Conditions:
Early-infantile DEE. Also called: Early infantile epileptic encephalopathy with suppression bursts; Ohtahara syndrome; Early infantile epileptic encephalopathy. Identifiers: Orphanet 1934, MedGen C0393706, MONDO:0800491.

Allele frequency attached by ClinVar (database versions not stated): gnomAD exomes 0.00001; ExAC 0.00002; TOPMed 0.00002; gnomAD 0.00003; ESP Exome Variant Server 0.00008.
gnomAD v4.1: 12 of 1,614,106 alleles (0.00074%); highest among the groups gnomAD compares: Non-Finnish European, 0.001%; no homozygotes.

Submission:

Labcorp Genetics (formerly Invitae), Labcorp
Classification: Uncertain significance for Early-infantile DEE. Last evaluated: 2023-10-03. Review status: criteria provided, single submitter. Criteria: Invitae Variant Classification Sherloc (09022015). Collection method: clinical testing. Allele origin: germline.
Comment: This sequence change replaces arginine, which is basic and polar, with cysteine, which is neutral and slightly polar, at codon 1770 of the SPTAN1 protein (p.Arg1770Cys). The frequency data for this variant in the population databases is considered unreliable, as metrics indicate poor data quality at this position in the gnomAD database. This variant has not been reported in the literature in individuals affected with SPTAN1-related conditions. ClinVar contains an entry for this variant (Variation ID: 1001248). Advanced modeling of protein sequence and biophysical properties (such as structural, functional, and spatial information, amino acid conservation, physicochemical variation, residue mobility, and thermodynamic stability) has been performed at Invitae for this missense variant, however the output from this modeling did not meet the statistical confidence thresholds required to predict the impact of this variant on SPTAN1 protein function. In summary, the available evidence is currently insufficient to determine the role of this variant in disease. Therefore, it has been classified as a Variant of Uncertain Significance.